The following is an entry in ClinVar:

ClinVar aggregate classification (germline): Likely benign. Review status: criteria provided, single submitter (1 of 4 stars). 2 submissions from 2 submitters: Likely benign (1). 1 of the submissions does not count toward it. Last evaluated 2023-01-27.

Conditions:
FLAD1-related disorder. Also called: FLAD1-related condition.

Allele frequency attached by ClinVar (database versions not stated): TOPMed below 0.00001; gnomAD exomes 0.00001; ExAC 0.00005.
gnomAD v4.1: 17 of 1,614,156 alleles (0.0011%); highest among the groups gnomAD compares: South Asian, 0.019%; no homozygotes.

Submissions (2):

Labcorp Genetics (formerly Invitae), Labcorp
Classification: Likely benign. Last evaluated: 2023-01-27. Review status: criteria provided, single submitter. Criteria: Invitae Variant Classification Sherloc (09022015). Collection method: clinical testing. Allele origin: germline.

PreventionGenetics, part of Exact Sciences
Classification: Likely benign for FLAD1-related condition. Last evaluated: 2021-09-09. Review status: no assertion criteria provided. Collection method: clinical testing. Allele origin: germline. Not counted in ClinVar's aggregate classification.
Comment: This variant is classified as likely benign based on ACMG/AMP sequence variant interpretation guidelines (Richards et al. 2015 PMID: 25741868, with internal and published modifications).

NM_025207.5(FLAD1):c.1555-4C>T

Gene: FLAD1 (flavin adenine dinucleotide synthetase 1; plus strand). Cytogenetic location: 1q21.3.
Variant type: single nucleotide variant.
Coding change: c.1555-4C>T on transcript NM_025207.5 (MANE Select); 4 bases into the intron before coding-DNA position 1555, C replaced by T.
Molecular consequence: intron variant.
Genome position (GRCh38, 1-based): chr1:154,992,709, C>T. VCF-style: chr1-154992709-C-T. GRCh37 (hg19) VCF-style: chr1-154965185-C-T.
Other names: c.1555-4C>T (NM_025207.4); c.1264-4C>T (NM_001184891.2, NM_201398.3).
Identifiers: ClinVar variation 3022686 (VCV003022686.5), dbSNP rs777556047, ClinGen allele CA1134624.